The following is an entry in ClinVar:

ClinVar aggregate classification (germline): Likely benign (1 of 4 stars; one submission).

gnomAD v4.1: 16 of 1,614,170 alleles (0.00099%); highest among the groups gnomAD compares: Non-Finnish European, 0.0014%; no homozygotes.

Submission:

CeGaT Center for Human Genetics Tuebingen
Classification: Likely benign. Last evaluated: 2026-10-01. Review status: criteria provided, single submitter. Criteria: CeGaT Center For Human Genetics Tuebingen Variant Classification Criteria Version 2. Collection method: clinical testing. Allele origin: germline. Affected: yes. Observed: 1 variant allele.
Comment: FAM20A: BP4, BP7

NM_017565.4(FAM20A):c.1284C>T (p.His428=)

Genes: FAM20A (FAM20A golgi associated secretory pathway pseudokinase; minus strand), PRKAR1A (protein kinase cAMP-dependent type I regulatory subunit alpha; plus strand). Cytogenetic location: 17q24.2.
Variant type: single nucleotide variant.
Coding change: c.1284C>T on transcript NM_017565.4 (MANE Select); coding-DNA position 1284, C replaced by T.
Protein change: p.His428=; no amino-acid change (histidine 428 retained).
Molecular consequence: synonymous variant. On other transcripts: non-coding transcript variant (1), intron variant (1).
Genome position (GRCh38, 1-based): chr17:68,539,902, G>A on the plus strand (C>T on the coding strand, the complement: FAM20A is on the minus strand). VCF-style: chr17-68539902-G-A. GRCh37 (hg19) VCF-style: chr17-66536043-G-A.
Other names: c.870C>T, p.His290= (NM_001243746.2); c.973+9901G>A (NM_001276290.1).
Identifiers: ClinVar variation 5041303 (VCV005041303.1).